The following is an entry in ClinVar:

ClinVar aggregate classification (germline): Uncertain significance (1 of 4 stars; one submission).

Conditions:
Dyskeratosis congenita. Identifiers: Orphanet 1775, MedGen C0265965, MONDO:0015780.

Allele frequency attached by ClinVar (database versions not stated): gnomAD exomes below 0.00001; ExAC 0.00001.

Submission:

Labcorp Genetics (formerly Invitae), Labcorp
Classification: Uncertain significance for Dyskeratosis congenita. Last evaluated: 2024-04-18. Review status: criteria provided, single submitter. Criteria: Invitae Variant Classification Sherloc (09022015). Collection method: clinical testing. Allele origin: germline.
Comment: This sequence change replaces alanine, which is neutral and non-polar, with threonine, which is neutral and polar, at codon 310 of the TINF2 protein (p.Ala310Thr). This variant is present in population databases (rs745711329, gnomAD 0.007%). This variant has not been reported in the literature in individuals affected with TINF2-related conditions. ClinVar contains an entry for this variant (Variation ID: 1460572). An algorithm developed to predict the effect of missense changes on protein structure and function (PolyPhen-2) suggests that this variant is likely to be disruptive. In summary, the available evidence is currently insufficient to determine the role of this variant in disease. Therefore, it has been classified as a Variant of Uncertain Significance.

NM_001099274.3(TINF2):c.928G>A (p.Ala310Thr)

Gene: TINF2 (TERF1 interacting nuclear factor 2; minus strand). Cytogenetic location: 14q12.
Variant type: single nucleotide variant.
Coding change: c.928G>A on transcript NM_001099274.3 (MANE Select); coding-DNA position 928, G replaced by A.
Protein change: p.Ala310Thr; replaces alanine 310 with threonine.
Molecular consequence: missense variant.
Genome position (GRCh38, 1-based): chr14:24,240,552, C>T on the plus strand (G>A on the coding strand, the complement: TINF2 is on the minus strand). VCF-style: chr14-24240552-C-T. GRCh37 (hg19) VCF-style: chr14-24709758-C-T.
Other names: c.823G>A, p.Ala275Thr (NM_001363668.2); c.928G>A, p.Ala310Thr (NM_012461.3); short protein forms A275T, A310T.
Identifiers: ClinVar variation 1460572 (VCV001460572.8), dbSNP rs745711329, ClinGen allele CA7130545.